The following is an entry in ClinVar:

GRCh38/hg38 9p24.3(chr9:146194-389294)x3

Genes: DOCK8 (dedicator of cytokinesis 8; plus strand), DOCK8-AS1 (DOCK8 antisense RNA 1; minus strand), ZNG1A (Zn regulated GTPase metalloprotein activator 1A; minus strand), LOC110120718 (VISTA enhancer hs628; plus strand), LOC126860552 (BRD4-independent group 4 enhancer GRCh37_chr9:285795-286994; plus strand) and 6 more. Cytogenetic location: 9p24.3.
Variant type: copy number gain.
Change: copy number 3 (three copies instead of two) of chr9:146,194-389,294 (243.1 kb, GRCh38 coordinates, 1-based), cytogenetic band 9p24.3.
Identifiers: ClinVar variation 58447 (VCV000058447.2).

ClinVar aggregate classification (germline): Uncertain significance (1 of 4 stars; one submission).

Submission:

ISCA Site 6
Classification: Uncertain significance. Last evaluated: 2011-08-12. Review status: criteria provided, single submitter. Criteria: Kaminsky et al. (Genet Med. 2011). Collection method: clinical testing. Allele origin: unknown. Affected: yes. Observed: 1 variant allele.
Comment: Copy number variation identified through the course of routine clinical cytogenomic testing in postnatal populations. Clinical assertions have been curated as described in Kaminsky et al. 2011.